The following is an entry in ClinVar:

ClinVar aggregate classification (germline): Pathogenic (1 of 4 stars; one submission).

Conditions:
Ehlers-Danlos syndrome due to tenascin-X deficiency (EDSCLL1). Also called: EDS DUE TO TNX DEFICIENCY; TNX DEFICIENCY; Ehlers-Danlos syndrome, classic-like, 1; EHLERS-DANLOS SYNDROME, CLASSIC-LIKE; TNXB-Related Classical-Like Ehlers-Danlos Syndrome. Identifiers: Orphanet 230839, MedGen C1848029, MONDO:0011670, OMIM 606408.

Submission:

Myriad Genetics, Inc.
Classification: Pathogenic for Ehlers-Danlos syndrome due to tenascin-X deficiency. Last evaluated: 2025-09-15. Review status: criteria provided, single submitter. Criteria: Myriad Autosomal Dominant, Autosomal Recessive and X-Linked Classification Criteria (2023). Collection method: clinical testing. Allele origin: unknown.
Comment: NM_019105.6(TNXB):c.6550G>T(E2184*) is expected to be pathogenic in the context of classical-like Ehlers-Danlos syndrome, TNXB-related. This variant is predicted to lead to an abnormal or absent protein product due to the creation of a premature termination codon in TNXB, a gene where loss-of-function variants are known to be pathogenic. Please note: this variant was assessed in the context of healthy population screening.

NM_001365276.2(TNXB):c.6550G>T (p.Glu2184Ter)

Gene: TNXB (tenascin XB; minus strand). Cytogenetic location: 6p21.33.
Variant type: single nucleotide variant.
Coding change: c.6550G>T on transcript NM_001365276.2 (MANE Select); coding-DNA position 6550, G replaced by T.
Protein change: p.Glu2184Ter; replaces glutamic acid 2184 with a stop codon.
Molecular consequence: nonsense.
Genome position (GRCh38, 1-based): chr6:32,065,112, C>A on the plus strand (G>T on the coding strand, the complement: TNXB is on the minus strand). VCF-style: chr6-32065112-C-A. GRCh37 (hg19) VCF-style: chr6-32032889-C-A.
Other names: c.7291G>T, p.Glu2431Ter (NM_001428335.1); c.6550G>T, p.Glu2184Ter (NM_019105.8); short protein forms E2184*, E2431*.
Identifiers: ClinVar variation 5014982 (VCV005014982.1).